The following is an entry in ClinVar:

ClinVar aggregate classification (germline): Pathogenic. Review status: reviewed by expert panel (3 of 4 stars). 5 submissions from 5 submitters: Pathogenic (1). 4 of the submissions do not count toward it. Last evaluated 2016-10-18.

Conditions:
Breast-ovarian cancer, familial, susceptibility to, 1 (BROVCA1). Also called: BRCA1 Hereditary Breast and Ovarian Cancer; OVARIAN CANCER, SUSCEPTIBILITY TO. Identifiers: Orphanet 145, MedGen C2676676, MONDO:0011450, OMIM 604370. Disease mechanism: loss of function.
Hereditary breast ovarian cancer syndrome. Also called: BRCA1- and BRCA2-Associated Hereditary Breast and Ovarian Cancer; Hereditary breast and ovarian cancer syndrome; Hereditary breast and ovarian cancer syndrome (HBOC); Breast and ovarian cancer; Hereditary breast and/or ovarian cancer syndrome; Hereditary breast and ovarian cancer. Identifiers: Orphanet 145, MedGen C0677776, MeSH D061325, MONDO:0003582. Disease mechanism: loss of function.

Submissions (6):

Evidence-based Network for the Interpretation of Germline Mutant Alleles (ENIGMA)
Classification: Pathogenic for Breast-ovarian cancer, familial, susceptibility to, 1. Last evaluated: 2016-10-18. Review status: reviewed by expert panel. Criteria: ENIGMA BRCA1/2 Classification Criteria (2015). Collection method: curation. Allele origin: germline.
Comment: Variant allele predicted to encode a truncated non-functional protein.

Labcorp Genetics (formerly Invitae), Labcorp
Classification: Pathogenic for Hereditary breast ovarian cancer syndrome. Last evaluated: 2019-10-19. Review status: criteria provided, single submitter. Criteria: Invitae Variant Classification Sherloc (09022015). Collection method: clinical testing. Allele origin: germline. Not counted in ClinVar's aggregate classification.
Comment: For these reasons, this variant has been classified as Pathogenic. Loss-of-function variants in BRCA1 are known to be pathogenic (PMID: 20104584). This variant has been observed in an individual with a personal and/or family history of breast and/or ovarian cancer (PMID: 21120943). ClinVar contains an entry for this variant (Variation ID: 55514). This variant is not present in population databases (ExAC no frequency). This sequence change creates a premature translational stop signal (p.Tyr1769*) in the BRCA1 gene. It is expected to result in an absent or disrupted protein product.

Quest Diagnostics Nichols Institute San Juan Capistrano
Classification: Pathogenic. Last evaluated: 2018-02-28. Review status: criteria provided, single submitter. Criteria: Quest Diagnostics criteria. Collection method: clinical testing. Allele origin: germline. Not counted in ClinVar's aggregate classification.

GeneDx
Classification: Pathogenic. Last evaluated: 2017-09-05. Review status: criteria provided, single submitter. Criteria: GeneDx Variant Classification (06012015). Collection method: clinical testing. Allele origin: germline. Affected: yes. Not counted in ClinVar's aggregate classification.
Comment: This pathogenic variant is denoted BRCA1 c.5307T>A at the cDNA level and p.Tyr1769Ter (Y1769X) at the protein level. The substitution creates a nonsense variant, which changes a Tyrosine to a premature stop codon (TAT>TAA), and is predicted to cause loss of normal protein function through either protein truncation or nonsense-mediated mRNA decay. This variant has been reported in at least one individual with a personal and/or family history of breast and/or ovarian cancer (Caux-Moncoutier 2011). Yeast transcription assay of variants in the BRCA1 COOH-terminal region characterized this variant as inactive, resulting in disruption of the BRCT domain (Hayes 2000). We consider this variant to be pathogenic.

Consortium of Investigators of Modifiers of BRCA1/2 (CIMBA), c/o University of Cambridge
Classification: Pathogenic for Breast-ovarian cancer, familial, susceptibility to, 1. Last evaluated: 2015-10-02. Review status: criteria provided, single submitter. Criteria: CIMBA Mutation Classification guidelines May 2016. Collection method: clinical testing. Allele origin: germline. Not counted in ClinVar's aggregate classification.

Brotman Baty Institute, University of Washington
No classification provided (evidence only). Condition: Breast-ovarian cancer, familial 1. Review status: no classification provided. Collection method: in vitro. Allele origin: not applicable. Functional consequence: functionally_abnormal. Not counted in ClinVar's aggregate classification.
ClinVar note: "not provided" was previously submitted as the classification for the variant. However, the classification appeared to be based only on an observation of functional data so it was converted to no classification on 2025-07-30.

Literature cited by the submitters: PubMed 20104584 (cited by Labcorp Genetics (formerly Invitae), Labcorp); PubMed 21120943 (cited by Labcorp Genetics (formerly Invitae), Labcorp).

NM_007294.4(BRCA1):c.5307T>A (p.Tyr1769Ter)

Gene: BRCA1 (BRCA1 DNA repair associated; minus strand). Cytogenetic location: 17q21.31.
Variant type: single nucleotide variant.
Coding change: c.5307T>A on transcript NM_007294.4 (MANE Select); coding-DNA position 5307, T replaced by A.
Protein change: p.Tyr1769Ter; replaces tyrosine 1769 with a stop codon.
Molecular consequence: nonsense. On other transcripts: non-coding transcript variant (1).
Genome position (GRCh38, 1-based): chr17:43,051,088, A>T on the plus strand (T>A on the coding strand, the complement: BRCA1 is on the minus strand). VCF-style: chr17-43051088-A-T. GRCh37 (hg19) VCF-style: chr17-41203105-A-T.
Other names: 5426T>A; c.5226T>A, p.Tyr1742Ter (NM_001407658.1, NM_001407656.1, NM_001407657.1); c.5223T>A, p.Tyr1741Ter (NM_001407659.1, NM_001407660.1, NM_001407661.1 and 2 more transcripts); c.5184T>A, p.Tyr1728Ter (NM_001407664.1, NM_001407665.1, NM_001407666.1 and 5 more transcripts); c.5163T>A, p.Tyr1721Ter (NM_001407742.1, NM_001407743.1, NM_001407744.1 and 21 more transcripts); c.5097T>A, p.Tyr1699Ter (NM_001407884.1, NM_001407885.1, NM_001407886.1 and 5 more transcripts); c.5094T>A, p.Tyr1698Ter (NM_001407894.1, NM_001407895.1, NM_001407896.1 and 12 more transcripts); c.1998T>A, p.Tyr666Ter (NM_001407974.1, NM_001407975.1, NM_001407976.1 and 3 more transcripts); and 73 more; short protein forms Y1769*, Y1790*, Y1722*, Y665*, Y1679*, Y1681*, Y1700*, Y1725*.
Identifiers: ClinVar variation 55514 (VCV000055514.18), dbSNP rs397509258, ClinGen allele CA003459.